The following is an entry in ClinVar:

ClinVar aggregate classification (germline): Uncertain significance (1 of 4 stars; one submission).

Submission:

Labcorp Genetics (formerly Invitae), Labcorp
Classification: Uncertain significance. Last evaluated: 2025-11-01. Review status: criteria provided, single submitter. Criteria: Invitae Variant Classification Sherloc (09022015). Collection method: clinical testing. Allele origin: germline.
Comment: This sequence change replaces leucine, which is neutral and non-polar, with phenylalanine, which is neutral and non-polar, at codon 1007 of the CYFIP2 protein (p.Leu1007Phe). This variant is not present in population databases (gnomAD no frequency). This variant has not been reported in the literature in individuals affected with CYFIP2-related conditions. Experimental studies and prediction algorithms are not available or were not evaluated, and the functional significance of this variant is currently unknown. In summary, the available evidence is currently insufficient to determine the role of this variant in disease. Therefore, it has been classified as a Variant of Uncertain Significance.

NM_001037333.3(CYFIP2):c.3019C>T (p.Leu1007Phe)

Gene: CYFIP2 (cytoplasmic FMR1 interacting protein 2; plus strand). Cytogenetic location: 5q33.3.
Variant type: single nucleotide variant.
Coding change: c.3019C>T on transcript NM_001037333.3 (MANE Select); coding-DNA position 3019, C replaced by T.
Protein change: p.Leu1007Phe; replaces leucine 1007 with phenylalanine.
Molecular consequence: missense variant.
Genome position (GRCh38, 1-based): chr5:157,361,578, C>T. VCF-style: chr5-157361578-C-T. GRCh37 (hg19) VCF-style: chr5-156788586-C-T.
Other names: c.2941C>T, p.Leu981Phe (NM_001291721.2); c.3094C>T, p.Leu1032Phe (NM_001291722.2); c.3019C>T, p.Leu1007Phe (NM_014376.4); short protein forms L1007F, L981F, L1032F.
Identifiers: ClinVar variation 4769965 (VCV004769965.1).
Genomic context (GRCh38, chr5:157,361,578, plus strand): 5'-GAGCTCAAAACAGACGTGTTCCAGAGCCTGAGGGAAGTGGGCAATGCCATCCTCTTCTGC[C>T]TCCTCATAGAGCAAGCTCTGGTAAGTCCAGAGCCCAAAGGAAGTGGGGTGTCTCCAGGTT-3'
Protein context (NP_001032410.1, residues 997-1017): REVGNAILFC[Leu1007Phe]LIEQALSQEE